The following is an entry in ClinVar:

ClinVar aggregate classification (germline): Uncertain significance (1 of 4 stars; one submission).

Conditions:
Progressive sclerosing poliodystrophy (MTDPS4A). Also called: ALPERS PROGRESSIVE INFANTILE POLIODYSTROPHY; NEURONAL DEGENERATION OF CHILDHOOD WITH LIVER DISEASE, PROGRESSIVE; Alpers Syndrome; ALPERS DIFFUSE DEGENERATION OF CEREBRAL GRAY MATTER WITH HEPATIC CIRRHOSIS; Alpers-Huttenlocher Syndrome; Mitochondrial DNA depletion syndrome 4A (Alpers type). Identifiers: Orphanet 726, MedGen C0205710, MONDO:0008758, OMIM 203700.

Submission:

Labcorp Genetics (formerly Invitae), Labcorp
Classification: Uncertain significance for Progressive sclerosing poliodystrophy. Last evaluated: 2024-04-18. Review status: criteria provided, single submitter. Criteria: Invitae Variant Classification Sherloc (09022015). Collection method: clinical testing. Allele origin: germline.
Comment: This sequence change replaces alanine, which is neutral and non-polar, with valine, which is neutral and non-polar, at codon 1048 of the POLG protein (p.Ala1048Val). This variant is not present in population databases (gnomAD no frequency). This variant has not been reported in the literature in individuals affected with POLG-related conditions. ClinVar contains an entry for this variant (Variation ID: 1438707). Advanced modeling of protein sequence and biophysical properties (such as structural, functional, and spatial information, amino acid conservation, physicochemical variation, residue mobility, and thermodynamic stability) performed at Invitae indicates that this missense variant is not expected to disrupt POLG protein function with a negative predictive value of 95%. In summary, the available evidence is currently insufficient to determine the role of this variant in disease. Therefore, it has been classified as a Variant of Uncertain Significance.

NM_002693.3(POLG):c.3143C>T (p.Ala1048Val)

Gene: POLG (DNA polymerase gamma, catalytic subunit; minus strand). Cytogenetic location: 15q26.1.
Variant type: single nucleotide variant.
Coding change: c.3143C>T on transcript NM_002693.3 (MANE Select); coding-DNA position 3143, C replaced by T.
Protein change: p.Ala1048Val; replaces alanine 1048 with valine.
Molecular consequence: missense variant.
Genome position (GRCh38, 1-based): chr15:89,319,061, G>A on the plus strand (C>T on the coding strand, the complement: POLG is on the minus strand). VCF-style: chr15-89319061-G-A. GRCh37 (hg19) VCF-style: chr15-89862292-G-A.
Other names: c.3143C>T, p.Ala1048Val (NM_001126131.2); short protein forms A1048V.
Identifiers: ClinVar variation 1438707 (VCV001438707.6), dbSNP rs1483830740, ClinGen allele CA393751048.